The following is an entry in ClinVar:

NM_005045.4(RELN):c.3023G>A (p.Arg1008His)

Gene: RELN (reelin; minus strand). Cytogenetic location: 7q22.1.
Variant type: single nucleotide variant.
Coding change: c.3023G>A on transcript NM_005045.4 (MANE Select); coding-DNA position 3023, G replaced by A.
Protein change: p.Arg1008His; replaces arginine 1008 with histidine.
Molecular consequence: missense variant.
Genome position (GRCh38, 1-based): chr7:103,604,469, C>T on the plus strand (G>A on the coding strand, the complement: RELN is on the minus strand). VCF-style: chr7-103604469-C-T. GRCh37 (hg19) VCF-style: chr7-103244916-C-T.
Other names: c.3023G>A, p.Arg1008His (NM_173054.3); short protein forms R1008H.
Identifiers: ClinVar variation 2937866 (VCV002937866.3), dbSNP rs1390453425, ClinGen allele CA368763913.

ClinVar aggregate classification (germline): Uncertain significance (1 of 4 stars; one submission).

Conditions:
Norman-Roberts syndrome (LIS2). Also called: Lissencephaly 2 (Norman-Roberts type). Identifiers: Orphanet 89844, MedGen C0796089, MONDO:0009760, OMIM 257320.
Familial temporal lobe epilepsy 7. Identifiers: Orphanet 101046, MedGen C4225327, MONDO:0014639, OMIM 616436.

Allele frequency attached by ClinVar (database versions not stated): gnomAD 0.00001.
gnomAD v4.1: 7 of 1,613,762 alleles (0.00043%); highest among the groups gnomAD compares: African/African-American, 0.0013%; no homozygotes.

Submission:

Labcorp Genetics (formerly Invitae), Labcorp
Classification: Uncertain significance for Familial temporal lobe epilepsy 7; Norman-Roberts syndrome. Last evaluated: 2023-10-16. Review status: criteria provided, single submitter. Criteria: Invitae Variant Classification Sherloc (09022015). Collection method: clinical testing. Allele origin: germline.
Comment: This sequence change replaces arginine, which is basic and polar, with histidine, which is basic and polar, at codon 1008 of the RELN protein (p.Arg1008His). This variant is present in population databases (no rsID available, gnomAD 0.0009%). This variant has not been reported in the literature in individuals affected with RELN-related conditions. Advanced modeling of protein sequence and biophysical properties (such as structural, functional, and spatial information, amino acid conservation, physicochemical variation, residue mobility, and thermodynamic stability) performed at Invitae indicates that this missense variant is not expected to disrupt RELN protein function. In summary, the available evidence is currently insufficient to determine the role of this variant in disease. Therefore, it has been classified as a Variant of Uncertain Significance.